The following is an entry in ClinVar:

ClinVar aggregate classification (germline): Uncertain significance (1 of 4 stars; one submission).

Allele frequency attached by ClinVar (database versions not stated): gnomAD exomes below 0.00001; TOPMed below 0.00001; gnomAD 0.00001.
gnomAD v4.1: 2 of 1,613,966 alleles (0.00012%); highest among the groups gnomAD compares: Non-Finnish European, 0.00017%; no homozygotes.

Submission:

Labcorp Genetics (formerly Invitae), Labcorp
Classification: Uncertain significance. Last evaluated: 2024-04-05. Review status: criteria provided, single submitter. Criteria: Invitae Variant Classification Sherloc (09022015). Collection method: clinical testing. Allele origin: germline.
Comment: This sequence change replaces glutamic acid, which is acidic and polar, with alanine, which is neutral and non-polar, at codon 299 of the IDH3B protein (p.Glu299Ala). This variant is not present in population databases (gnomAD no frequency). This variant has not been reported in the literature in individuals affected with IDH3B-related conditions. ClinVar contains an entry for this variant (Variation ID: 1059796). Advanced modeling of protein sequence and biophysical properties (such as structural, functional, and spatial information, amino acid conservation, physicochemical variation, residue mobility, and thermodynamic stability) performed at Invitae indicates that this missense variant is not expected to disrupt IDH3B protein function with a negative predictive value of 80%. In summary, the available evidence is currently insufficient to determine the role of this variant in disease. Therefore, it has been classified as a Variant of Uncertain Significance.

NM_006899.5(IDH3B):c.896A>C (p.Glu299Ala)

Gene: IDH3B (isocitrate dehydrogenase (NAD(+)) 3 non-catalytic subunit beta; minus strand). Cytogenetic location: 20p13.
Variant type: single nucleotide variant.
Coding change: c.896A>C on transcript NM_006899.5 (MANE Select); coding-DNA position 896, A replaced by C.
Protein change: p.Glu299Ala; replaces glutamic acid 299 with alanine.
Molecular consequence: missense variant. On other transcripts: non-coding transcript variant (1).
Genome position (GRCh38, 1-based): chr20:2,660,049, T>G on the plus strand (A>C on the coding strand, the complement: IDH3B is on the minus strand). VCF-style: chr20-2660049-T-G. GRCh37 (hg19) VCF-style: chr20-2640695-T-G.
Other names: c.896A>C, p.Glu299Ala (NM_001258384.3, NM_001330763.2, NM_174855.4); short protein forms E299A.
Identifiers: ClinVar variation 1059796 (VCV001059796.7), dbSNP rs1210972287, ClinGen allele CA408035218.
Genomic context (GRCh38, chr20:2,660,049, plus strand): 5'-CTTGAGGTCAGAGGAAGGGCCGAGGGAGAAAGCAGCCTCACCGTCTCAAAGACTGCGTAT[T>G]CTGCACTATAGCTCTCACCAGGGACCACACCAGCTCCCCCAACCAGGCCAGCAGCCAGAT-3'
Protein context (NP_008830.2, residues 289-309): GVVPGESYSA[Glu299Ala]YAVFETGARH